The following is an entry in ClinVar:

NM_000760.4(CSF3R):c.995G>A (p.Arg332Gln)

Gene: CSF3R (colony stimulating factor 3 receptor; minus strand). Cytogenetic location: 1p34.3.
Variant type: single nucleotide variant.
Coding change: c.995G>A on transcript NM_000760.4 (MANE Select); coding-DNA position 995, G replaced by A.
Protein change: p.Arg332Gln; replaces arginine 332 with glutamine.
Molecular consequence: missense variant.
Genome position (GRCh38, 1-based): chr1:36,472,240, C>T on the plus strand (G>A on the coding strand, the complement: CSF3R is on the minus strand). VCF-style: chr1-36472240-C-T. GRCh37 (hg19) VCF-style: chr1-36937841-C-T.
Other names: p.Arg332Gln; c.995G>A, p.Arg332Gln (LRG_144t1, NM_156039.3, NM_172313.3); short protein forms R332Q.
Identifiers: ClinVar variation 654824 (VCV000654824.12), dbSNP rs758186406, ClinGen allele CA339422231.

ClinVar aggregate classification (germline): Uncertain significance. Review status: criteria provided, multiple submitters, no conflicts (2 of 4 stars). 3 submissions from 3 submitters: Uncertain significance (3). Last evaluated 2025-12-07.

Conditions:
Autosomal recessive severe congenital neutropenia due to CSF3R deficiency. Also called: Neutropenia, severe congenital, 7, autosomal recessive. Identifiers: Orphanet 420702, MedGen C4310764, MONDO:0014865, OMIM 617014.
CSF3R-related disorder. Also called: CSF3R-related condition.

Allele frequency attached by ClinVar (database versions not stated): gnomAD 0.00002 and 0.00001; TOPMed 0.00002.
gnomAD v4.1: 8 of 1,614,044 alleles (0.0005%); highest among the groups gnomAD compares: Non-Finnish European, 0.00059%; no homozygotes.

Submissions (3):

PreventionGenetics, part of Exact Sciences
Classification: Uncertain significance for CSF3R-related condition. Last evaluated: 2025-12-07. Review status: criteria provided, single submitter. Criteria: ACMG Guidelines, 2015. Collection method: clinical testing. Allele origin: germline.
Comment: The CSF3R c.995G>A variant is predicted to result in the amino acid substitution p.Arg332Gln. To our knowledge, this variant has not been reported in the literature or in a large population database (gnomAD), indicating this variant is rare. At this time, the clinical significance of this variant is uncertain due to the absence of conclusive functional and genetic evidence.

Labcorp Genetics (formerly Invitae), Labcorp
Classification: Uncertain significance for Autosomal recessive severe congenital neutropenia due to CSF3R deficiency. Last evaluated: 2025-05-26. Review status: criteria provided, single submitter. Criteria: Invitae Variant Classification Sherloc (09022015). Collection method: clinical testing. Allele origin: germline.
Comment: This sequence change replaces arginine, which is basic and polar, with glutamine, which is neutral and polar, at codon 332 of the CSF3R protein (p.Arg332Gln). This variant is not present in population databases (gnomAD no frequency). This variant has not been reported in the literature in individuals affected with CSF3R-related conditions. ClinVar contains an entry for this variant (Variation ID: 654824). An algorithm developed to predict the effect of missense changes on protein structure and function outputs the following: PolyPhen-2: "Benign". The glutamine amino acid residue is found in multiple mammalian species, which suggests that this missense change does not adversely affect protein function. In summary, the available evidence is currently insufficient to determine the role of this variant in disease. Therefore, it has been classified as a Variant of Uncertain Significance.

Mayo Clinic Laboratories, Mayo Clinic
Classification: Uncertain significance. Last evaluated: 2024-03-14. Review status: criteria provided, single submitter. Criteria: ACMG Guidelines, 2015. Collection method: clinical testing. Allele origin: germline. Observed: 1 variant allele.
Comment: BP4_strong